The following is an entry in ClinVar:

NM_006016.6(CD164):c.74A>G (p.Lys25Arg)

Gene: CD164 (CD164 molecule; minus strand). Cytogenetic location: 6q21.
Variant type: single nucleotide variant.
Coding change: c.74A>G on transcript NM_006016.6 (MANE Select); coding-DNA position 74, A replaced by G.
Protein change: p.Lys25Arg; replaces lysine 25 with arginine.
Molecular consequence: missense variant.
Genome position (GRCh38, 1-based): chr6:109,382,305, T>C on the plus strand (A>G on the coding strand, the complement: CD164 is on the minus strand). VCF-style: chr6-109382305-T-C. GRCh37 (hg19) VCF-style: chr6-109703508-T-C.
Other names: c.74A>G, p.Lys25Arg (NM_001142401.3, NM_001142402.3, NM_001142403.3 and 1 more transcripts); short protein forms K25R.
Identifiers: ClinVar variation 4975051 (VCV004975051.1).
Genomic context (GRCh38, chr6:109,382,305, plus strand): 5'-GCCGAGGTTACGTTGGAGATGGGCGCTAAAGTCGTCACGTTCGGGTGCTGGGTCGTGTTC[T>C]TGTCCGCGGACAGCACGCAGAGCACGCCCAGGCAGGTGGCGGCCCAAAGCAGTGAGCGGG-3'
Protein context (NP_006007.2, residues 15-35): LGVLCVLSAD[Lys25Arg]NTTQHPNVTT

ClinVar aggregate classification (germline): Uncertain significance (1 of 4 stars; one submission).

gnomAD v4.1: 2 of 1,582,082 alleles (0.00013%); highest among the groups gnomAD compares: Non-Finnish European, 0.00017%; no homozygotes.

Submission:

GeneDx
Classification: Uncertain significance. Last evaluated: 2024-09-30. Review status: criteria provided, single submitter. Criteria: GeneDx Variant Classification Process June 2021. Collection method: clinical testing. Allele origin: germline.
Comment: Not observed at significant frequency in large population cohorts (gnomAD); In silico analysis indicates that this missense variant does not alter protein structure/function; Has not been previously published as pathogenic or benign to our knowledge; Variants in candidate genes are classified as variants of uncertain significance in accordance with ACMG guidelines (PMID: 25741868)